The following is an entry in ClinVar:

ClinVar aggregate classification (germline): Conflicting classifications of pathogenicity. Review status: criteria provided, conflicting classifications (1 of 4 stars). 2 submissions from 2 submitters: Uncertain significance (1); Likely benign (1). Last evaluated 2026-04-13.

gnomAD v4.1: 28 of 1,613,258 alleles (0.0017%); highest among the groups gnomAD compares: Non-Finnish European, 0.0023%; no homozygotes.

Submissions (2):

GeneDx
Classification: Uncertain significance. Last evaluated: 2026-04-13. Review status: criteria provided, single submitter. Criteria: GeneDx Variant Classification Process June 2021. Collection method: clinical testing. Allele origin: germline.
Comment: Not observed at significant frequency in large population cohorts (gnomAD); Missense variant in a gene in which most reported pathogenic variants are truncating/loss of function; Has not been previously published as pathogenic or benign to our knowledge

Mayo Clinic Laboratories, Mayo Clinic
Classification: Likely benign. Last evaluated: 2025-01-14. Review status: criteria provided, single submitter. Criteria: ACMG Guidelines, 2015. Collection method: clinical testing. Allele origin: germline. Observed: 1 variant allele.
Comment: BP1, BP4

NM_001267550.2(TTN):c.59075C>G (p.Thr19692Arg)

Genes: TTN (titin; minus strand), TTN-AS1 (TTN antisense RNA 1; plus strand). Cytogenetic location: 2q31.2.
Variant type: single nucleotide variant.
Coding change: c.59075C>G on transcript NM_001267550.2 (MANE Select); coding-DNA position 59075, C replaced by G.
Protein change: p.Thr19692Arg; replaces threonine 19692 with arginine.
Molecular consequence: missense variant.
Genome position (GRCh38, 1-based): chr2:178,593,044, G>C on the plus strand (C>G on the coding strand, the complement: TTN is on the minus strand). VCF-style: chr2-178593044-G-C. GRCh37 (hg19) VCF-style: chr2-179457771-G-C.
Other names: p.Thr18051Arg; c.54152C>G, p.Thr18051Arg (NM_001256850.1); c.31880C>G, p.Thr10627Arg (NM_003319.4); c.51371C>G, p.Thr17124Arg (NM_133378.4); c.32255C>G, p.Thr10752Arg (NM_133432.3); c.32456C>G, p.Thr10819Arg (NM_133437.4); short protein forms T10627R, T10752R, T10819R, T17124R, T18051R, T19692R.
Identifiers: ClinVar variation 4684611 (VCV004684611.2).